The following is an entry in ClinVar:

NM_022829.6(SLC13A3):c.496A>C (p.Lys166Gln)

Gene: SLC13A3 (solute carrier family 13 member 3; minus strand). Cytogenetic location: 20q13.12.
Variant type: single nucleotide variant.
Coding change: c.496A>C on transcript NM_022829.6 (MANE Select); coding-DNA position 496, A replaced by C.
Protein change: p.Lys166Gln; replaces lysine 166 with glutamine.
Molecular consequence: missense variant.
Genome position (GRCh38, 1-based): chr20:46,610,491, T>G on the plus strand (A>C on the coding strand, the complement: SLC13A3 is on the minus strand). VCF-style: chr20-46610491-T-G. GRCh37 (hg19) VCF-style: chr20-45239130-T-G.
Other names: c.355A>C, p.Lys119Gln (NM_001011554.3, NM_001193340.2); c.496A>C, p.Lys166Gln (NM_001193339.2); c.202A>C, p.Lys68Gln (NM_001193342.2); c.496A>C (NM_022829.5); short protein forms K166Q, K119Q, K68Q.
Identifiers: ClinVar variation 2894118 (VCV002894118.4), dbSNP rs750305084, ClinGen allele CA9891632.
Genomic context (GRCh38, chr20:46,610,491, plus strand): 5'-TTAGCACAGCCTCACCTGTGTTCTCTTCACTCTCCTGGCTGGGGTCCTTTCGAACCTCCT[T>G]CTGGCCAAAGAGACTTTTCAGGATGGCATTGGCAATGGGAAGCATCATGGCAGTGGAGGC-3'
Protein context (NP_073740.2, residues 156-176): NAILKSLFGQ[Lys166Gln]EVRKDPSQES

ClinVar aggregate classification (germline): Uncertain significance. Review status: criteria provided, multiple submitters, no conflicts (2 of 4 stars). 2 submissions from 2 submitters: Uncertain significance (2). Last evaluated 2025-09-11.

Allele frequency attached by ClinVar (database versions not stated): ExAC 0.00001; TOPMed 0.00002; gnomAD 0.00003; gnomAD exomes 0.00003.
gnomAD v4.1: 53 of 1,614,008 alleles (0.0033%); highest among the groups gnomAD compares: Non-Finnish European, 0.0043%; no homozygotes.

Submissions (2):

Ambry Genetics
Classification: Uncertain significance. Last evaluated: 2025-09-11. Review status: criteria provided, single submitter. Criteria: Ambry Variant Classification Scheme 2023. Collection method: clinical testing. Allele origin: germline.

Labcorp Genetics (formerly Invitae), Labcorp
Classification: Uncertain significance. Last evaluated: 2023-06-23. Review status: criteria provided, single submitter. Criteria: Invitae Variant Classification Sherloc (09022015). Collection method: clinical testing. Allele origin: germline.
Comment: This variant has not been reported in the literature in individuals affected with SLC13A3-related conditions. This sequence change replaces lysine, which is basic and polar, with glutamine, which is neutral and polar, at codon 166 of the SLC13A3 protein (p.Lys166Gln). This variant is present in population databases (rs750305084, gnomAD 0.003%). Advanced modeling of protein sequence and biophysical properties (such as structural, functional, and spatial information, amino acid conservation, physicochemical variation, residue mobility, and thermodynamic stability) performed at Invitae indicates that this missense variant is not expected to disrupt SLC13A3 protein function. In summary, the available evidence is currently insufficient to determine the role of this variant in disease. Therefore, it has been classified as a Variant of Uncertain Significance.